The following is an entry in ClinVar:

ClinVar aggregate classification (germline): Pathogenic (0 of 4 stars; one submission).

Conditions:
Vascular Malformations and Overgrowth.

Submissions (2):

Institute for Genomic Medicine (IGM) Clinical Laboratory, Nationwide Children's Hospital
Classification: Pathogenic for Vascular Malformations and Overgrowth. Last evaluated: 2020-11-08. Review status: no assertion criteria provided. Collection method: research. Allele origin: somatic. Affected: yes.
Comment: This alteration is of apparent somatic mosaic etiology with strong supporting evidence including no discernible strand bias, in a region absent of repetition and sequence homology, with clean, high-quality reads, having a variant allele fraction >= 3% [PS2], is supported by well-established models demonstrating downstream impact of the variant on RNA structure, gene expression, or protein function [PS3], is either well-represented in cancer as identified in the COSMIC database with >=20 documented instances or considered to occur in a statistically significant hotspot or region according to an online resource database [PM_CANCER], is in a non-repetitive region and results in a protein length change predicted to result in an in-frame protein product [PM4], and is at increased prevalence in our cohort, with >= 3 occurrences in unrelated individuals [PS4_Sup].

Dr. Peter K. Rogan Lab, Western University
No classification provided (evidence only). Condition: Colon adenocarcinoma. Review status: no classification provided. Collection method: in vitro. Allele origin: not applicable. Functional consequence: skipped exon, retained intron. Not counted in ClinVar's aggregate classification.

NM_181523.3(PIK3R1):c.1746-6_1751del

Gene: PIK3R1 (phosphoinositide-3-kinase regulatory subunit 1; plus strand). Cytogenetic location: 5q13.1.
Variant type: Deletion.
Coding change: c.1746-6_1751del on transcript NM_181523.3 (MANE Select); 6 bases into the intron before coding-DNA position 1746 through coding-DNA position 1751, 12 bases deleted (TTTCAGGTGGTT).
Molecular consequence: splice acceptor variant.
Genome position (GRCh38, 1-based): chr5:68,295,414-68,295,425, TTTCAGGTGGTT deleted; deleting any 12 consecutive bases within chr5:68,295,411-68,295,425 gives the same sequence; the c. name uses the placement nearest the transcript's 3' end. VCF-style (leftmost placement, unchanged base first): chr5-68295410-TGTTTTTCAGGTG-T. GRCh37 (hg19) VCF-style: chr5-67591238-TGTTTTTCAGGTG-T.
Other names: NC_000005.9:g.67591242_67591253del; c.846-6_851del (NM_181524.2); c.936-6_941del (NM_181504.4); c.657-6_662del (NM_001242466.2); c.1746-6_1751delTTTCAGGTGGTT (NM_181523.3).
Identifiers: ClinVar variation 996077 (VCV000996077.6), dbSNP rs1747658551, ClinGen allele CA1553406233.